The following is an entry in ClinVar:

ClinVar aggregate classification (germline): Uncertain significance (1 of 4 stars; one submission).

Conditions:
Congenital myasthenic syndrome 4A. Also called: MYASTHENIC SYNDROME, CONGENITAL, 4A, SLOW-CHANNEL, AUTOSOMAL RECESSIVE; Myasthenic syndrome, congenital, 4a, slow-channel; CONGENITAL MYASTHENIC SYNDROME TYPE Ia1. Identifiers: Orphanet 590, MedGen C4225413, MONDO:0011600, OMIM 605809.

Submission:

Labcorp Genetics (formerly Invitae), Labcorp
Classification: Uncertain significance for Congenital myasthenic syndrome 4A. Last evaluated: 2024-10-28. Review status: criteria provided, single submitter. Criteria: Invitae Variant Classification Sherloc (09022015). Collection method: clinical testing. Allele origin: germline.
Comment: This sequence change replaces serine, which is neutral and polar, with alanine, which is neutral and non-polar, at codon 373 of the CHRNE protein (p.Ser373Ala). This variant is not present in population databases (gnomAD no frequency). This variant has not been reported in the literature in individuals affected with CHRNE-related conditions. ClinVar contains an entry for this variant (Variation ID: 534257). Invitae Evidence Modeling of protein sequence and biophysical properties (such as structural, functional, and spatial information, amino acid conservation, physicochemical variation, residue mobility, and thermodynamic stability) indicates that this missense variant is not expected to disrupt CHRNE protein function with a negative predictive value of 95%. In summary, the available evidence is currently insufficient to determine the role of this variant in disease. Therefore, it has been classified as a Variant of Uncertain Significance.

NM_000080.4(CHRNE):c.1117T>G (p.Ser373Ala)

Gene: CHRNE (cholinergic receptor nicotinic epsilon subunit; minus strand). Cytogenetic location: 17p13.2.
Variant type: single nucleotide variant.
Coding change: c.1117T>G on transcript NM_000080.4 (MANE Select); coding-DNA position 1117, T replaced by G.
Protein change: p.Ser373Ala; replaces serine 373 with alanine.
Molecular consequence: missense variant.
Genome position (GRCh38, 1-based): chr17:4,899,300, A>C on the plus strand (T>G on the coding strand, the complement: CHRNE is on the minus strand). VCF-style: chr17-4899300-A-C. GRCh37 (hg19) VCF-style: chr17-4802595-A-C.
Other names: c.1117T>G, p.Ser373Ala (LRG_1254t1); short protein forms S373A.
Identifiers: ClinVar variation 534257 (VCV000534257.8), dbSNP rs1555546304, ClinGen allele CA397300514.